The following is an entry in ClinVar:

NM_021102.4(SPINT2):c.391+2T>C

Gene: SPINT2 (serine peptidase inhibitor, Kunitz type 2; plus strand). Cytogenetic location: 19q13.2.
Variant type: single nucleotide variant.
Coding change: c.391+2T>C on transcript NM_021102.4 (MANE Select); the canonical splice donor site of the intron after coding-DNA position 391, T replaced by C.
Molecular consequence: splice donor variant.
Genome position (GRCh38, 1-based): chr19:38,289,193, T>C. VCF-style: chr19-38289193-T-C. GRCh37 (hg19) VCF-style: chr19-38779833-T-C.
Other names: c.220+2T>C (NM_001166103.2).
Identifiers: ClinVar variation 1068083 (VCV001068083.8), dbSNP rs2146278822, ClinGen allele CA405632996.

ClinVar aggregate classification (germline): Likely pathogenic (1 of 4 stars; one submission).

Submissions (2):

Labcorp Genetics (formerly Invitae), Labcorp
Classification: Likely pathogenic. Last evaluated: 2020-10-07. Review status: criteria provided, single submitter. Criteria: Invitae Variant Classification Sherloc (09022015). Collection method: clinical testing. Allele origin: germline.
Comment: In summary, the currently available evidence indicates that the variant is pathogenic, but additional data are needed to prove that conclusively. Therefore, this variant has been classified as Likely Pathogenic. Donor and acceptor splice site variants typically lead to a loss of protein function (PMID: 16199547), and loss-of-function variants in SPINT2 are known to be pathogenic (PMID: 19185281, 24142340). Algorithms developed to predict the effect of sequence changes on RNA splicing suggest that this variant may disrupt the consensus splice site, but this prediction has not been confirmed by published transcriptional studies. This variant has not been reported in the literature in individuals with SPINT2-related conditions. This variant is not present in population databases (ExAC no frequency). This sequence change affects a donor splice site in intron 4 of the SPINT2 gene. It is expected to disrupt RNA splicing and likely results in an absent or disrupted protein product.

Dr. Peter K. Rogan Lab, Western University
No classification provided (evidence only). Condition: Hepatocellular carcinoma. Review status: no classification provided. Collection method: in vitro. Allele origin: not applicable. Functional consequence: retained intron. Not counted in ClinVar's aggregate classification.

Literature cited by the submitters: PubMed 16199547 (cited by Labcorp Genetics (formerly Invitae), Labcorp); PubMed 19185281 (cited by Labcorp Genetics (formerly Invitae), Labcorp); PubMed 24142340 (cited by Labcorp Genetics (formerly Invitae), Labcorp).